The following is an entry in ClinVar:

ClinVar aggregate classification (germline): Likely benign. Review status: criteria provided, multiple submitters, no conflicts (2 of 4 stars). 2 submissions from 2 submitters: Likely benign (2). Last evaluated 2025-11-05.

Conditions:
ATP1A2-related disorder. Also called: ATP1A2-related condition; ATP1A2-RELATED DISORDERS.
Familial hemiplegic migraine. Identifiers: MedGen C0338484, MONDO:0000700.

Allele frequency attached by ClinVar (database versions not stated): gnomAD exomes below 0.00001 and 0.00001; ExAC 0.00001; ESP Exome Variant Server 0.00008; gnomAD 0.00008 and 0.00009; TOPMed 0.00009.
gnomAD v4.1: 25 of 1,614,042 alleles (0.0015%); highest among the groups gnomAD compares: African/African-American, 0.029%; no homozygotes.

Submissions (2):

Labcorp Genetics (formerly Invitae), Labcorp
Classification: Likely benign for Familial hemiplegic migraine. Last evaluated: 2025-11-05. Review status: criteria provided, single submitter. Criteria: Invitae Variant Classification Sherloc (09022015). Collection method: clinical testing. Allele origin: germline.

PreventionGenetics, part of Exact Sciences
Classification: Likely benign for ATP1A2-related condition. Last evaluated: 2025-10-06. Review status: criteria provided, single submitter. Criteria: ACMG Guidelines, 2015. Collection method: clinical testing. Allele origin: germline.
Comment: This variant is classified as likely benign based on ACMG/AMP sequence variant interpretation guidelines (Richards et al. 2015 PMID: 25741868, with internal and published modifications).

NM_000702.4(ATP1A2):c.2868G>A (p.Leu956=)

Gene: ATP1A2 (ATPase Na+/K+ transporting subunit alpha 2; plus strand). Cytogenetic location: 1q23.2.
Variant type: single nucleotide variant.
Coding change: c.2868G>A on transcript NM_000702.4 (MANE Select); coding-DNA position 2868, G replaced by A.
Protein change: p.Leu956=; no amino-acid change (leucine 956 retained).
Molecular consequence: synonymous variant.
Genome position (GRCh38, 1-based): chr1:160,139,667, G>A. VCF-style: chr1-160139667-G-A. GRCh37 (hg19) VCF-style: chr1-160109457-G-A.
Identifiers: ClinVar variation 947822 (VCV000947822.10), dbSNP rs373694534, ClinGen allele CA1194867.